The following is an entry in ClinVar:

NM_001374736.1(DST):c.22485G>A (p.Arg7495=)

Gene: DST (dystonin; minus strand). Cytogenetic location: 6p12.1.
Variant type: single nucleotide variant.
Coding change: c.22485G>A on transcript NM_001374736.1 (MANE Select); coding-DNA position 22485, G replaced by A.
Protein change: p.Arg7495=; no amino-acid change (arginine 7495 retained).
Molecular consequence: synonymous variant.
Genome position (GRCh38, 1-based): chr6:56,469,949, C>T on the plus strand (G>A on the coding strand, the complement: DST is on the minus strand). VCF-style: chr6-56469949-C-T. GRCh37 (hg19) VCF-style: chr6-56334747-C-T.
Other names: p.Arg4872=; c.16128G>A, p.Arg5376= (NM_001144769.5); c.15714G>A, p.Arg5238= (NM_001144770.2); c.22485G>A, p.Arg7495= (NM_001374722.1); c.21525G>A, p.Arg7175= (NM_001374729.1); c.15267G>A, p.Arg5089= (NM_001374730.1); c.22512G>A, p.Arg7504= (NM_001374734.1); c.15594G>A, p.Arg5198= (NM_001386100.1, NM_183380.4); and 1 more.
Identifiers: ClinVar variation 3029926 (VCV003029926.3), dbSNP rs1428395637, ClinGen allele CA450486062.

ClinVar aggregate classification (germline): Likely benign. Review status: criteria provided, single submitter (1 of 4 stars). 2 submissions from 2 submitters: Likely benign (1). 1 of the submissions does not count toward it. Last evaluated 2024-12-17.

Conditions:
DST-related disorder. Also called: DST-related condition; DST-related disorders.

Allele frequency attached by ClinVar (database versions not stated): gnomAD exomes below 0.00001; gnomAD 0.00001; TOPMed 0.00001.
gnomAD v4.1: 14 of 1,613,276 alleles (0.00087%); highest among the groups gnomAD compares: East Asian, 0.011%; no homozygotes.

Submissions (2):

Mayo Clinic Laboratories, Mayo Clinic
Classification: Likely benign. Last evaluated: 2024-12-17. Review status: criteria provided, single submitter. Criteria: ACMG Guidelines, 2015. Collection method: clinical testing. Allele origin: germline. Observed: 1 variant allele.
Comment: BP4, BP7

PreventionGenetics, part of Exact Sciences
Classification: Likely benign for DST-related condition. Last evaluated: 2021-06-21. Review status: no assertion criteria provided. Collection method: clinical testing. Allele origin: germline. Not counted in ClinVar's aggregate classification.
Comment: This variant is classified as likely benign based on ACMG/AMP sequence variant interpretation guidelines (Richards et al. 2015 PMID: 25741868, with internal and published modifications).